The following is an entry in ClinVar:

NM_021076.4(NEFH):c.1786G>T (p.Ala596Ser)

Gene: NEFH (neurofilament heavy chain; plus strand). Cytogenetic location: 22q12.2.
Variant type: single nucleotide variant.
Coding change: c.1786G>T on transcript NM_021076.4 (MANE Select); coding-DNA position 1786, G replaced by T.
Protein change: p.Ala596Ser; replaces alanine 596 with serine.
Molecular consequence: missense variant.
Genome position (GRCh38, 1-based): chr22:29,489,426, G>T. VCF-style: chr22-29489426-G-T. GRCh37 (hg19) VCF-style: chr22-29885415-G-T.
Other names: short protein forms A596S.
Identifiers: ClinVar variation 3346521 (VCV003346521.1).

ClinVar aggregate classification (germline): Uncertain significance (0 of 4 stars; one submission).

Conditions:
NEFH-related disorder. Also called: NEFH-related condition.

Submission:

PreventionGenetics, part of Exact Sciences
Classification: Uncertain significance for NEFH-related condition. Last evaluated: 2024-07-03. Review status: no assertion criteria provided. Collection method: clinical testing. Allele origin: germline.
Comment: The NEFH c.1786G>T variant is predicted to result in the amino acid substitution p.Ala596Ser. To our knowledge, this variant has not been reported in the literature or in a large population database, indicating this variant is rare. At this time, the clinical significance of this variant is uncertain due to the absence of conclusive functional and genetic evidence.